The following is an entry in ClinVar:

NM_001715.3(BLK):c.1297C>T (p.Arg433Trp)

Gene: BLK (BLK proto-oncogene, Src family tyrosine kinase). Cytogenetic location: 8p23.1.
Variant type: single nucleotide variant.
Coding change: c.1297C>T on transcript NM_001715.3 (MANE Select); coding-DNA position 1297, C replaced by T.
Protein change: p.Arg433Trp; replaces arginine 433 with tryptophan.
Molecular consequence: missense variant.
Genome position (GRCh38, 1-based): chr8:11,563,095, C>T. VCF-style: chr8-11563095-C-T. GRCh37 (hg19) VCF-style: chr8-11420604-C-T.
Other names: c.1084C>T, p.Arg362Trp (NM_001330465.2); short protein forms R362W, R433W.
Identifiers: ClinVar variation 2183174 (VCV002183174.4), dbSNP rs751422253, ClinGen allele CA4630440.

ClinVar aggregate classification (germline): Uncertain significance (1 of 4 stars; one submission).

Submission:

Labcorp Genetics (formerly Invitae), Labcorp
Classification: Uncertain significance. Last evaluated: 2022-07-27. Review status: criteria provided, single submitter. Criteria: Invitae Variant Classification Sherloc (09022015). Collection method: clinical testing. Allele origin: germline.
Comment: This sequence change replaces arginine, which is basic and polar, with tryptophan, which is neutral and slightly polar, at codon 433 of the BLK protein (p.Arg433Trp). This variant is present in population databases (rs751422253, gnomAD 0.01%). This variant has not been reported in the literature in individuals affected with BLK-related conditions. Algorithms developed to predict the effect of missense changes on protein structure and function (SIFT, PolyPhen-2, Align-GVGD) all suggest that this variant is likely to be disruptive. Algorithms developed to predict the effect of sequence changes on RNA splicing suggest that this variant may create or strengthen a splice site. In summary, the available evidence is currently insufficient to determine the role of this variant in disease. Therefore, it has been classified as a Variant of Uncertain Significance.